The following is an entry in ClinVar:

NM_004448.4(ERBB2):c.2519G>A (p.Arg840Gln)

Gene: ERBB2 (erb-b2 receptor tyrosine kinase 2; plus strand). Cytogenetic location: 17q12.
Variant type: single nucleotide variant.
Coding change: c.2519G>A on transcript NM_004448.4 (MANE Select); coding-DNA position 2519, G replaced by A.
Protein change: p.Arg840Gln; replaces arginine 840 with glutamine.
Molecular consequence: missense variant. On other transcripts: non-coding transcript variant (1), intron variant (3).
Genome position (GRCh38, 1-based): chr17:39,725,074, G>A. VCF-style: chr17-39725074-G-A. GRCh37 (hg19) VCF-style: chr17-37881327-G-A.
Other names: c.2429G>A, p.Arg810Gln (NM_001005862.3, NM_001382782.1, NM_001382783.1); c.2474G>A, p.Arg825Gln (NM_001289936.2); c.2516G>A, p.Arg839Gln (NM_001382790.1); c.2510G>A, p.Arg837Gln (NM_001382791.1); c.2483G>A, p.Arg828Gln (NM_001382792.1); c.2477G>A, p.Arg826Gln (NM_001382793.1, NM_001382794.1, NM_001382803.1); c.2471G>A, p.Arg824Gln (NM_001382795.1); c.2519G>A, p.Arg840Gln (NM_001382796.1, NM_001289937.2); and 15 more; short protein forms R494Q, R564Q, R754Q, R778Q, R780Q, R807Q, R810Q, R824Q.
Identifiers: ClinVar variation 3624188 (VCV003624188.2).
Genomic context (GRCh38, chr17:39,725,074, plus strand): 5'-TCCCAGAAGGTCTACATGGGTGCTTCCCATTCCAGGGGATGAGCTACCTGGAGGATGTGC[G>A]GCTCGTACACAGGGACTTGGCCGCTCGGAACGTGCTGGTCAAGAGTCCCAACCATGTCAA-3'
Protein context (NP_004439.2, residues 830-850): AKGMSYLEDV[Arg840Gln]LVHRDLAARN

ClinVar aggregate classification (germline): Uncertain significance (1 of 4 stars; one submission).

gnomAD v4.1: 9 of 1,614,166 alleles (0.00056%); highest among the groups gnomAD compares: South Asian, 0.0044%; no homozygotes.

Submission:

Labcorp Genetics (formerly Invitae), Labcorp
Classification: Uncertain significance. Last evaluated: 2024-04-20. Review status: criteria provided, single submitter. Criteria: Invitae Variant Classification Sherloc (09022015). Collection method: clinical testing. Allele origin: germline.
Comment: This sequence change replaces arginine, which is basic and polar, with glutamine, which is neutral and polar, at codon 840 of the ERBB2 protein (p.Arg840Gln). This variant is present in population databases (rs747967722, gnomAD 0.003%). This variant has not been reported in the literature in individuals affected with ERBB2-related conditions. Advanced modeling of protein sequence and biophysical properties (such as structural, functional, and spatial information, amino acid conservation, physicochemical variation, residue mobility, and thermodynamic stability) performed at Invitae indicates that this missense variant is not expected to disrupt ERBB2 protein function with a negative predictive value of 80%. In summary, the available evidence is currently insufficient to determine the role of this variant in disease. Therefore, it has been classified as a Variant of Uncertain Significance.